The following is an entry in ClinVar:

NM_014847.4(UBAP2L):c.687A>C (p.Glu229Asp)

Gene: UBAP2L (ubiquitin associated protein 2 like; plus strand). Cytogenetic location: 1q21.3.
Variant type: single nucleotide variant.
Coding change: c.687A>C on transcript NM_014847.4 (MANE Select); coding-DNA position 687, A replaced by C.
Protein change: p.Glu229Asp; replaces glutamic acid 229 with aspartic acid.
Molecular consequence: missense variant.
Genome position (GRCh38, 1-based): chr1:154,237,120, A>C. VCF-style: chr1-154237120-A-C. GRCh37 (hg19) VCF-style: chr1-154209596-A-C.
Other names: c.687A>C, p.Glu229Asp (NM_001375628.1, NM_001375629.1, NM_001375630.1 and 14 more transcripts); c.666A>C, p.Glu222Asp (NM_001287815.1); c.720A>C, p.Glu240Asp (NM_001287816.1, NM_001330730.1, NM_001375612.1 and 2 more transcripts); short protein forms E222D, E229D, E240D.
Identifiers: ClinVar variation 4529596 (VCV004529596.1).

ClinVar aggregate classification (germline): Uncertain significance (1 of 4 stars; one submission).

Submission:

GeneDx
Classification: Uncertain significance. Last evaluated: 2025-05-15. Review status: criteria provided, single submitter. Criteria: GeneDx Variant Classification Process June 2021. Collection method: clinical testing. Allele origin: germline. Affected: yes.
Comment: Not observed at significant frequency in large population cohorts (gnomAD); In silico analysis suggests that this missense variant does not alter protein structure/function; Has not been previously published as pathogenic or benign to our knowledge